The following is an entry in ClinVar:

NM_000136.3(FANCC):c.1079C>G (p.Pro360Arg)

Genes: AOPEP (aminopeptidase O (putative); plus strand), FANCC (FA complementation group C; minus strand). Cytogenetic location: 9q22.32.
Variant type: single nucleotide variant.
Coding change: c.1079C>G on transcript NM_000136.3 (MANE Select); coding-DNA position 1079, C replaced by G.
Protein change: p.Pro360Arg; replaces proline 360 with arginine.
Molecular consequence: missense variant.
Genome position (GRCh38, 1-based): chr9:95,114,704, G>C on the plus strand (C>G on the coding strand, the complement: FANCC is on the minus strand). VCF-style: chr9-95114704-G-C. GRCh37 (hg19) VCF-style: chr9-97876986-G-C.
Other names: c.1079C>G, p.Pro360Arg (NM_001243743.2, NM_001243744.2); short protein forms P360R.
Identifiers: ClinVar variation 655190 (VCV000655190.13), dbSNP rs730881721, ClinGen allele CA374108059.

ClinVar aggregate classification (germline): Uncertain significance. Review status: criteria provided, multiple submitters, no conflicts (2 of 4 stars). 4 submissions from 4 submitters: Uncertain significance (3). 1 of the submissions does not count toward it. Last evaluated 2023-07-26.

Conditions:
Fanconi anemia (FA). Also called: Fanconi's anemia. Identifiers: Orphanet 84, MedGen C0015625, MeSH D005199, MONDO:0019391.
Hereditary cancer-predisposing syndrome. Also called: Hereditary neoplastic syndrome; Tumor predisposition; Neoplastic Syndromes, Hereditary; Hereditary Cancer Syndrome. Identifiers: Orphanet 140162, MedGen C0027672, MeSH D009386, MONDO:0015356.

Submissions (4):

Labcorp Genetics (formerly Invitae), Labcorp
Classification: Uncertain significance for Fanconi anemia. Last evaluated: 2023-07-26. Review status: criteria provided, single submitter. Criteria: Invitae Variant Classification Sherloc (09022015). Collection method: clinical testing. Allele origin: germline.
Comment: In summary, the available evidence is currently insufficient to determine the role of this variant in disease. Therefore, it has been classified as a Variant of Uncertain Significance. Advanced modeling of protein sequence and biophysical properties (such as structural, functional, and spatial information, amino acid conservation, physicochemical variation, residue mobility, and thermodynamic stability) performed at Invitae indicates that this missense variant is expected to disrupt FANCC protein function. ClinVar contains an entry for this variant (Variation ID: 655190). This variant has not been reported in the literature in individuals affected with FANCC-related conditions. This variant is not present in population databases (gnomAD no frequency). This sequence change replaces proline, which is neutral and non-polar, with arginine, which is basic and polar, at codon 360 of the FANCC protein (p.Pro360Arg).

Ambry Genetics
Classification: Uncertain significance for Hereditary cancer-predisposing syndrome. Last evaluated: 2021-09-01. Review status: criteria provided, single submitter. Criteria: Ambry Variant Classification Scheme 2023. Collection method: clinical testing. Allele origin: germline.
Comment: The p.P360R variant (also known as c.1079C>G), located in coding exon 11 of the FANCC gene, results from a C to G substitution at nucleotide position 1079. The proline at codon 360 is replaced by arginine, an amino acid with dissimilar properties. This amino acid position is conserved. In addition, the in silico prediction for this alteration is inconclusive. Since supporting evidence is limited at this time, the clinical significance of this alteration remains unclear.

GeneDx
Classification: Uncertain significance. Last evaluated: 2019-11-26. Review status: criteria provided, single submitter. Criteria: GeneDx Variant Classification Process June 2021. Collection method: clinical testing. Allele origin: germline. Affected: yes.
Comment: Not observed in large population cohorts (Lek 2016); In silico analysis, which includes protein predictors and evolutionary conservation, supports a deleterious effect; Has not been previously published as pathogenic or benign to our knowledge

Natera, Inc.
Classification: Uncertain significance for Fanconi anemia. Last evaluated: 2021-10-04. Review status: no assertion criteria provided. Collection method: clinical testing. Allele origin: germline. Not counted in ClinVar's aggregate classification.